The following is an entry in ClinVar:

NM_001370259.2(MEN1):c.63C>T (p.Arg21=)

Gene: MEN1 (menin 1; minus strand). Cytogenetic location: 11q13.1.
Variant type: single nucleotide variant.
Coding change: c.63C>T on transcript NM_001370259.2 (MANE Select); coding-DNA position 63, C replaced by T.
Protein change: p.Arg21=; no amino-acid change (arginine 21 retained).
Molecular consequence: synonymous variant.
Genome position (GRCh38, 1-based): chr11:64,810,047, G>A on the plus strand (C>T on the coding strand, the complement: MEN1 is on the minus strand). VCF-style: chr11-64810047-G-A. GRCh37 (hg19) VCF-style: chr11-64577519-G-A.
Other names: c.63C>T, p.Arg21= (NM_000244.4, NM_001370251.2, NM_001370260.2 and 9 more transcripts).
Identifiers: ClinVar variation 826378 (VCV000826378.16), dbSNP rs1018289242, ClinGen allele CA223917250.
Genomic context (GRCh38, chr11:64,810,047, plus strand): 5'-CAGCACCAAGGAAAGGAGCACCAGGTCCGGCTCCTCTCGGCCCAGCTCGGCAGCAAACAG[G>A]CGCACCACGTCGTCGATGGAGCGCAGCGGGAACAGCGTCTTCTGGGCGGCCTTCAGCCCC-3'
Protein context (NP_001357188.2, residues 11-31): FPLRSIDDVV[Arg21=]LFAAELGREE

ClinVar aggregate classification (germline): Conflicting classifications of pathogenicity. Review status: criteria provided, conflicting classifications (1 of 4 stars). 5 submissions from 5 submitters: Uncertain significance (2); Benign (1); Likely benign (2). Last evaluated 2025-04-10.

Conditions:
Multiple endocrine neoplasia, type 1 (MEN1). Also called: WERMER SYNDROME; Endocrine adenomatosis multiple; MEN 1; MEN I; MEA I. Identifiers: Orphanet 652, MedGen C0025267, MeSH D018761, MONDO:0007540, OMIM 131100.
Hereditary cancer-predisposing syndrome. Also called: Neoplastic Syndromes, Hereditary; Tumor predisposition; Hereditary Cancer Syndrome; Hereditary neoplastic syndrome. Identifiers: Orphanet 140162, MedGen C0027672, MeSH D009386, MONDO:0015356.

Allele frequency attached by ClinVar (database versions not stated): gnomAD exomes below 0.00001.
gnomAD v4.1: 2 of 1,610,008 alleles (0.00012%); highest among the groups gnomAD compares: Non-Finnish European, 0.00017%; no homozygotes.

Submissions (5):

Labcorp Genetics (formerly Invitae), Labcorp
Classification: Likely benign for Multiple endocrine neoplasia, type 1. Last evaluated: 2025-04-10. Review status: criteria provided, single submitter. Criteria: Invitae Variant Classification Sherloc (09022015). Collection method: clinical testing. Allele origin: germline.

Myriad Genetics, Inc.
Classification: Benign for Multiple endocrine neoplasia, type 1. Last evaluated: 2024-10-31. Review status: criteria provided, single submitter. Criteria: Myriad Autosomal Dominant, Autosomal Recessive and X-Linked Classification Criteria (2023). Collection method: clinical testing. Allele origin: unknown.
Comment: This variant is considered benign. This variant is a silent/synonymous amino acid change and it is not expected to impact splicing.

Quest Diagnostics Nichols Institute San Juan Capistrano
Classification: Uncertain significance. Last evaluated: 2024-08-16. Review status: criteria provided, single submitter. Criteria: Quest Diagnostics criteria. Collection method: clinical testing. Allele origin: unknown.

Blueprint Genetics
Classification: Uncertain significance. Last evaluated: 2021-12-30. Review status: criteria provided, single submitter. Criteria: ACMG Guidelines, 2015. Collection method: clinical testing. Allele origin: germline.

Ambry Genetics
Classification: Likely benign for Hereditary cancer-predisposing syndrome. Last evaluated: 2018-07-11. Review status: criteria provided, single submitter. Criteria: Ambry Variant Classification Scheme 2023. Collection method: clinical testing. Allele origin: germline.